The following is an entry in ClinVar:

NM_005866.4(SIGMAR1):c.124A>G (p.Ile42Val)

Genes: SIGMAR1 (sigma receptor chaperone 1; minus strand), LOC130001681 (ATAC-STARR-seq lymphoblastoid silent region 19853; plus strand). Cytogenetic location: 9p13.3.
Variant type: single nucleotide variant.
Coding change: c.124A>G on transcript NM_005866.4 (MANE Select); coding-DNA position 124, A replaced by G.
Protein change: p.Ile42Val; replaces isoleucine 42 with valine.
Molecular consequence: missense variant. On other transcripts: 5 prime UTR variant (1), non-coding transcript variant (1), intron variant (1).
Genome position (GRCh38, 1-based): chr9:34,637,574, T>C on the plus strand (A>G on the coding strand, the complement: SIGMAR1 is on the minus strand). VCF-style: chr9-34637574-T-C. GRCh37 (hg19) VCF-style: chr9-34637571-T-C.
Other names: c.124A>G, p.Ile42Val (NM_001282205.2, NM_001282208.2, NM_001282209.2 and 1 more transcripts); c.-130A>G (NM_001282206.2); c.91+33A>G (NM_001282207.2); short protein forms I42V.
Identifiers: ClinVar variation 1400529 (VCV001400529.5), dbSNP rs778074369, ClinGen allele CA5035952.

ClinVar aggregate classification (germline): Uncertain significance (1 of 4 stars; one submission).

Conditions:
Autosomal recessive distal spinal muscular atrophy 2. Also called: NEUROPATHY, DISTAL HEREDITARY MOTOR, AUTOSOMAL RECESSIVE 2; NEURONOPATHY, DISTAL HEREDITARY MOTOR, JERASH TYPE; NEUROPATHY, DISTAL HEREDITARY MOTOR, JERASH TYPE; SPINAL MUSCULAR ATROPHY, JERASH TYPE; Hereditary motor neuropathy, Jerash type; Motor neuropathy, distal, Jerash type. Identifiers: Orphanet 139552, MedGen C1854023, MONDO:0011585, OMIM 605726.
Amyotrophic lateral sclerosis type 16. Also called: AMYOTROPHIC LATERAL SCLEROSIS 16, JUVENILE. Identifiers: Orphanet 300605, MedGen C3280587, MONDO:0013715, OMIM 614373.

Allele frequency attached by ClinVar (database versions not stated): gnomAD 0.00001; gnomAD exomes 0.00001 and 0.00003; ExAC 0.00006.

Submission:

Labcorp Genetics (formerly Invitae), Labcorp
Classification: Uncertain significance for Autosomal recessive distal spinal muscular atrophy 2; Amyotrophic lateral sclerosis type 16. Last evaluated: 2021-08-24. Review status: criteria provided, single submitter. Criteria: Invitae Variant Classification Sherloc (09022015). Collection method: clinical testing. Allele origin: germline.
Comment: This sequence change replaces isoleucine with valine at codon 42 of the SIGMAR1 protein (p.Ile42Val). The isoleucine residue is moderately conserved and there is a small physicochemical difference between isoleucine and valine. This variant is present in population databases (rs778074369, ExAC 0.02%). This variant has not been reported in the literature in individuals affected with SIGMAR1-related conditions. Algorithms developed to predict the effect of missense changes on protein structure and function (SIFT, PolyPhen-2, Align-GVGD) all suggest that this variant is likely to be tolerated. Algorithms developed to predict the effect of sequence changes on RNA splicing suggest that this variant may create or strengthen a splice site. In summary, the available evidence is currently insufficient to determine the role of this variant in disease. Therefore, it has been classified as a Variant of Uncertain Significance.